The following is an entry in ClinVar:

NM_014738.6(TMEM94):c.1797C>T (p.Thr599=)

Gene: TMEM94 (transmembrane protein 94; plus strand). Cytogenetic location: 17q25.1.
Variant type: single nucleotide variant.
Coding change: c.1797C>T on transcript NM_014738.6 (MANE Select); coding-DNA position 1797, C replaced by T.
Protein change: p.Thr599=; no amino-acid change (threonine 599 retained).
Molecular consequence: synonymous variant.
Genome position (GRCh38, 1-based): chr17:75,492,674, C>T. VCF-style: chr17-75492674-C-T. GRCh37 (hg19) VCF-style: chr17-73488755-C-T.
Other names: c.1809C>T, p.Thr603= (NM_001321149.2); c.1749C>T, p.Thr583= (NM_001351202.2); c.1827C>T, p.Thr609= (NM_001351203.2, NM_001321148.2).
Identifiers: ClinVar variation 3388247 (VCV003388247.14).
Genomic context (GRCh38, chr17:75,492,674, plus strand): 5'-CACCTCCCTCAAACCCCTGGGCCTCAATGTGCTGCTGAACCTGTGTGATGCCAGCGTCAC[C>T]GAGCGCCTGTGCCGATTCTCCGACCACCTGTGCAACATCGCCCTGCAAGAGAGCCACAGC-3'
Protein context (NP_055553.3, residues 589-609): VLLNLCDASV[Thr599=]ERLCRFSDHL

ClinVar aggregate classification (germline): Likely benign (1 of 4 stars; one submission).

gnomAD v4.1: 32 of 1,613,712 alleles (0.002%); highest among the groups gnomAD compares: Admixed American, 0.02%; no homozygotes.

Submission:

CeGaT Center for Human Genetics Tuebingen
Classification: Likely benign. Last evaluated: 2024-11-01. Review status: criteria provided, single submitter. Criteria: CeGaT Center For Human Genetics Tuebingen Variant Classification Criteria Version 2. Collection method: clinical testing. Allele origin: germline. Affected: yes. Observed: 1 variant allele.
Comment: TMEM94: BP4, BP7